The following is an entry in ClinVar:

NM_004984.4(KIF5A):c.2361+6T>C

Gene: KIF5A (kinesin family member 5A; plus strand). Cytogenetic location: 12q13.3.
Variant type: single nucleotide variant.
Coding change: c.2361+6T>C on transcript NM_004984.4 (MANE Select); 6 bases into the intron after coding-DNA position 2361, T replaced by C.
Molecular consequence: intron variant.
Genome position (GRCh38, 1-based): chr12:57,577,779, T>C. VCF-style: chr12-57577779-T-C. GRCh37 (hg19) VCF-style: chr12-57971562-T-C.
Other names: c.2094+6T>C (NM_001354705.2).
Identifiers: ClinVar variation 2002317 (VCV002002317.4), dbSNP rs1188631756, ClinGen allele CA605314514.

ClinVar aggregate classification (germline): Uncertain significance (1 of 4 stars; one submission).

Conditions:
Spastic paraplegia. Identifiers: MedGen C0037772, HP:0001258.

Allele frequency attached by ClinVar (database versions not stated): gnomAD exomes below 0.00001.
gnomAD v4.1: 2 of 1,611,676 alleles (0.00012%); highest among the groups gnomAD compares: Non-Finnish European, 0.00017%; no homozygotes.

Submission:

Labcorp Genetics (formerly Invitae), Labcorp
Classification: Uncertain significance for Spastic paraplegia. Last evaluated: 2023-06-18. Review status: criteria provided, single submitter. Criteria: Invitae Variant Classification Sherloc (09022015). Collection method: clinical testing. Allele origin: germline.
Comment: In summary, the available evidence is currently insufficient to determine the role of this variant in disease. Therefore, it has been classified as a Variant of Uncertain Significance. This sequence change falls in intron 21 of the KIF5A gene. It does not directly change the encoded amino acid sequence of the KIF5A protein. It affects a nucleotide within the consensus splice site. This variant is present in population databases (no rsID available, gnomAD 0.0009%). This variant has not been reported in the literature in individuals affected with KIF5A-related conditions. ClinVar contains an entry for this variant (Variation ID: 2002317). Variants that disrupt the consensus splice site are a relatively common cause of aberrant splicing (PMID: 17576681, 9536098). Algorithms developed to predict the effect of sequence changes on RNA splicing suggest that this variant may disrupt the consensus splice site.

Literature cited by the submitters: PubMed 17576681; PubMed 9536098.